The following is an entry in ClinVar:

NM_001042492.3(NF1):c.3103A>T (p.Met1035Leu)

Gene: NF1 (neurofibromin 1; plus strand). Cytogenetic location: 17q11.2.
Variant type: single nucleotide variant.
Coding change: c.3103A>T on transcript NM_001042492.3 (MANE Select); coding-DNA position 3103, A replaced by T.
Protein change: p.Met1035Leu; replaces methionine 1035 with leucine.
Molecular consequence: missense variant.
Genome position (GRCh38, 1-based): chr17:31,230,372, A>T. VCF-style: chr17-31230372-A-T. GRCh37 (hg19) VCF-style: chr17-29557390-A-T.
Other names: c.3103A>T, p.Met1035Leu (NM_000267.4); short protein forms M1035L.
Identifiers: ClinVar variation 4708064 (VCV004708064.2).

ClinVar aggregate classification (germline): Uncertain significance. Review status: criteria provided, multiple submitters, no conflicts (2 of 4 stars). 2 submissions from 2 submitters: Uncertain significance (2). Last evaluated 2026-05-12.

Conditions:
Neurofibromatosis, type 1 (NF1). Also called: VON RECKLINGHAUSEN DISEASE; Peripheral type neurofibromatosis; Neurofibromatosis, type I; NEUROFIBROMATOSIS, TYPE I, SOMATIC. Identifiers: Orphanet 636, MedGen C0027831, MONDO:0018975, OMIM 162200. Disease mechanism: loss of function.
Cardiovascular phenotype. Identifiers: MedGen CN230736.
Hereditary cancer-predisposing syndrome. Also called: Neoplastic Syndromes, Hereditary; Tumor predisposition; Hereditary Cancer Syndrome; Hereditary neoplastic syndrome. Identifiers: Orphanet 140162, MedGen C0027672, MeSH D009386, MONDO:0015356.

Submissions (2):

Ambry Genetics
Classification: Uncertain significance for Cardiovascular phenotype; Hereditary cancer-predisposing syndrome. Last evaluated: 2026-05-12. Review status: criteria provided, single submitter. Criteria: Ambry Variant Classification Scheme 2023. Collection method: clinical testing. Allele origin: germline.
Comment: The p.M1035L variant (also known as c.3103A>T), located in coding exon 23 of the NF1 gene, results from an A to T substitution at nucleotide position 3103. The methionine at codon 1035 is replaced by leucine, an amino acid with highly similar properties. This amino acid position is highly conserved in available vertebrate species. In addition, the in silico prediction for this alteration is inconclusive. Based on the available evidence, the clinical significance of this variant remains unclear.

Labcorp Genetics (formerly Invitae), Labcorp
Classification: Uncertain significance for Neurofibromatosis, type 1. Last evaluated: 2025-02-02. Review status: criteria provided, single submitter. Criteria: Invitae Variant Classification Sherloc (09022015). Collection method: clinical testing. Allele origin: germline.
Comment: This sequence change replaces methionine, which is neutral and non-polar, with leucine, which is neutral and non-polar, at codon 1035 of the NF1 protein (p.Met1035Leu). This variant is not present in population databases (gnomAD no frequency). This variant has not been reported in the literature in individuals affected with NF1-related conditions. Invitae Evidence Modeling of protein sequence and biophysical properties (such as structural, functional, and spatial information, amino acid conservation, physicochemical variation, residue mobility, and thermodynamic stability) indicates that this missense variant is not expected to disrupt NF1 protein function with a negative predictive value of 95%. In summary, the available evidence is currently insufficient to determine the role of this variant in disease. Therefore, it has been classified as a Variant of Uncertain Significance.